The following is an entry in ClinVar:

ClinVar aggregate classification (germline): Uncertain significance (1 of 4 stars; one submission).

Allele frequency attached by ClinVar (database versions not stated): gnomAD 0.00003 and 0.00004; TOPMed 0.00003.
gnomAD v4.1: 51 of 1,614,060 alleles (0.0032%); highest among the groups gnomAD compares: Non-Finnish European, 0.0042%; no homozygotes.

Submission:

Labcorp Genetics (formerly Invitae), Labcorp
Classification: Uncertain significance. Last evaluated: 2025-05-12. Review status: criteria provided, single submitter. Criteria: Invitae Variant Classification Sherloc (09022015). Collection method: clinical testing. Allele origin: germline.
Comment: This sequence change replaces leucine, which is neutral and non-polar, with phenylalanine, which is neutral and non-polar, at codon 137 of the HPS3 protein (p.Leu137Phe). This variant is present in population databases (rs776135012, gnomAD 0.004%). This variant has not been reported in the literature in individuals affected with HPS3-related conditions. ClinVar contains an entry for this variant (Variation ID: 1520371). Invitae Evidence Modeling of protein sequence and biophysical properties (such as structural, functional, and spatial information, amino acid conservation, physicochemical variation, residue mobility, and thermodynamic stability) indicates that this missense variant is expected to disrupt HPS3 protein function with a positive predictive value of 80%. In summary, the available evidence is currently insufficient to determine the role of this variant in disease. Therefore, it has been classified as a Variant of Uncertain Significance.

NM_032383.5(HPS3):c.411G>C (p.Leu137Phe)

Gene: HPS3 (HPS3 biogenesis of lysosomal organelles complex 2 subunit 1; plus strand). Cytogenetic location: 3q24.
Variant type: single nucleotide variant.
Coding change: c.411G>C on transcript NM_032383.5 (MANE Select); coding-DNA position 411, G replaced by C.
Protein change: p.Leu137Phe; replaces leucine 137 with phenylalanine.
Molecular consequence: missense variant. On other transcripts: intron variant (1).
Genome position (GRCh38, 1-based): chr3:149,140,197, G>C. VCF-style: chr3-149140197-G-C. GRCh37 (hg19) VCF-style: chr3-148857984-G-C.
Other names: c.218-820G>C (NM_001308258.2); short protein forms L137F.
Identifiers: ClinVar variation 1520371 (VCV001520371.6), dbSNP rs776135012, ClinGen allele CA2659802.